The following is an entry in ClinVar:

NM_206933.4(USH2A):c.2382del (p.Cys795fs)

Genes: USH2A (usherin; minus strand), LOC122152296 (Sharpr-MPRA regulatory region 8762; plus strand). Cytogenetic location: 1q41.
Variant type: Deletion.
Coding change: c.2382del on transcript NM_206933.4 (MANE Select); coding-DNA position 2382, one base deleted (C; older notation c.2382delC).
Protein change: p.Cys795fs; shifts the reading frame from cysteine 795.
Molecular consequence: frameshift variant.
Genome position (GRCh38, 1-based): chr1:216,247,012, G deleted on the plus strand (C on the coding strand, the reverse complement: USH2A is on the minus strand); the first of 2 consecutive G bases (chr1:216,247,012-216,247,013); deleting either gives the same sequence. VCF-style (leftmost placement, unchanged base first): chr1-216247011-AG-A. GRCh37 (hg19) VCF-style: chr1-216420353-AG-A.
Other names: c.2382del, p.Cys795fs (NM_007123.6); short protein forms C795fs.
Identifiers: ClinVar variation 3345323 (VCV003345323.1).

ClinVar aggregate classification (germline): Pathogenic (0 of 4 stars; one submission).

Conditions:
USH2A-related disorder. Also called: USH2A-related condition; USH2A-related disorders. Identifiers: MedGen CN239332.

Submission:

PreventionGenetics, part of Exact Sciences
Classification: Pathogenic for USH2A-related condition. Last evaluated: 2024-08-16. Review status: no assertion criteria provided. Collection method: clinical testing. Allele origin: germline.
Comment: The USH2A c.2382delC variant is predicted to result in a frameshift and premature protein termination (p.Cys795Valfs*61). To our knowledge, this variant has not been reported in the literature or in a large population database, indicating this variant is rare. Frameshift variants in USH2A are an established mechanism of disease. This variant is interpreted as pathogenic.